The following is an entry in ClinVar:

NM_001330574.2(ZNF711):c.878T>C (p.Met293Thr)

Gene: ZNF711 (ZFX family zinc finger ZNF711; plus strand). Cytogenetic location: Xq21.1.
Variant type: single nucleotide variant.
Coding change: c.878T>C on transcript NM_001330574.2 (MANE Select); coding-DNA position 878, T replaced by C.
Protein change: p.Met293Thr; replaces methionine 293 with threonine.
Molecular consequence: missense variant.
Genome position (GRCh38, 1-based): chrX:85,265,217, T>C. VCF-style: chrX-85265217-T-C. GRCh37 (hg19) VCF-style: chrX-84520223-T-C.
Other names: c.878T>C, p.Met293Thr (NM_001375431.1, NM_001375432.1, NM_001375433.1 and 5 more transcripts); short protein forms M293T.
Identifiers: ClinVar variation 3027243 (VCV003027243.22), dbSNP rs1930998960, ClinGen allele CA413770779.
Genomic context (GRCh38, chrX:85,265,217, plus strand): 5'-GACATTCAGTAGCTGGAGTGCTTGACCAGAGCCGAATGCAGCGGGAGAAGATGGTTTACA[T>C]GGCAGTTAAAGATTCTTCTCAAGAAGAAGATGATATCAGTAAGAAAATAAGGGCACTGTA-3'
Protein context (NP_001317503.1, residues 283-303): SRMQREKMVY[Met293Thr]AVKDSSQEED

ClinVar aggregate classification (germline): Uncertain significance (1 of 4 stars; one submission).

Submission:

CeGaT Center for Human Genetics Tuebingen
Classification: Uncertain significance. Last evaluated: 2024-02-01. Review status: criteria provided, single submitter. Criteria: CeGaT Center For Human Genetics Tuebingen Variant Classification Criteria Version 2. Collection method: clinical testing. Allele origin: germline. Affected: yes. Observed: 1 variant allele.
Comment: ZNF711: PM2